The following is an entry in ClinVar:

NM_025114.4(CEP290):c.1790T>A (p.Leu597Ter)

Gene: CEP290 (centrosomal protein 290; minus strand). Cytogenetic location: 12q21.32.
Variant type: single nucleotide variant.
Coding change: c.1790T>A on transcript NM_025114.4 (MANE Select); coding-DNA position 1790, T replaced by A.
Protein change: p.Leu597Ter; replaces leucine 597 with a stop codon.
Molecular consequence: nonsense.
Genome position (GRCh38, 1-based): chr12:88,117,067, A>T on the plus strand (T>A on the coding strand, the complement: CEP290 is on the minus strand). VCF-style: chr12-88117067-A-T. GRCh37 (hg19) VCF-style: chr12-88510844-A-T.
Other names: short protein forms L597*.
Identifiers: ClinVar variation 2944713 (VCV002944713.5), dbSNP rs2500867184, ClinGen allele CA385978111.

ClinVar aggregate classification (germline): Pathogenic/Likely pathogenic. Review status: criteria provided, multiple submitters, no conflicts (2 of 4 stars). 3 submissions from 3 submitters: Pathogenic (2); Likely pathogenic (1). Last evaluated 2026-09-03.

Conditions:
CEP290-related ciliopathy. Also called: CEP290 ciliopathy. Identifiers: MedGen CN305601, MONDO:0100451.
Meckel-Gruber syndrome. Also called: DYSENCEPHALIA SPLANCHNOCYSTICA; GRUBER SYNDROME; Dysencephalia splachnocystica. Identifiers: Orphanet 564, MedGen C0265215, MONDO:0018921.
Joubert syndrome. Also called: JOUBERT-BOLTSHAUSER SYNDROME; Familial aplasia of the vermis. Identifiers: Orphanet 475, MedGen C5979921, MONDO:0018772.
Nephronophthisis. Also called: Juvenile Nephronophthisis. Identifiers: Orphanet 655, MedGen C0687120, MONDO:0019005, HP:0000090.
Meckel syndrome, type 4 (MKS4). Also called: MECKEL-GRUBER SYNDROME, TYPE 4. Identifiers: Orphanet 564, MedGen C1970161, MONDO:0012626, OMIM 611134.
Senior-Loken syndrome 6 (SLSN6). Identifiers: Orphanet 3156, MedGen C1857779, MONDO:0012433, OMIM 610189.
Bardet-Biedl syndrome 14 (BBS14). Identifiers: Orphanet 110, MedGen C2673874, MONDO:0014442, OMIM 615991.
Leber congenital amaurosis 10 (LCA10). Identifiers: Orphanet 65, MedGen C1857821, MONDO:0012723, OMIM 611755.
Joubert syndrome 5 (JBTS5). Identifiers: Orphanet 2318, MedGen C1857780, MONDO:0012432, OMIM 610188.

Submissions (3):

Myriad Genetics, Inc.
Classification: Pathogenic for CEP290-related ciliopathy. Last evaluated: 2026-09-03. Review status: criteria provided, single submitter. Criteria: Myriad Autosomal Dominant, Autosomal Recessive and X-Linked Classification Criteria (2023). Collection method: clinical testing. Allele origin: unknown.
Comment: NM_025114.3(CEP290):c.1790T>A(L597*) is expected to be pathogenic in the context of CEP290-related disorders. This variant is predicted to lead to an abnormal or absent protein product due to the creation of a premature termination codon in CEP290, a gene where loss-of-function variants are known to be pathogenic. Please note: this variant was assessed in the context of healthy population screening.

Fulgent Genetics
Classification: Likely pathogenic for Joubert syndrome 5; Senior-Loken syndrome 6; Meckel syndrome, type 4; Leber congenital amaurosis 10; Bardet-Biedl syndrome 14. Last evaluated: 2024-02-24. Review status: criteria provided, single submitter. Criteria: ACMG Guidelines, 2015. Collection method: clinical testing. Allele origin: germline.

Labcorp Genetics (formerly Invitae), Labcorp
Classification: Pathogenic for Joubert syndrome; Meckel-Gruber syndrome; Nephronophthisis. Last evaluated: 2023-02-25. Review status: criteria provided, single submitter. Criteria: Invitae Variant Classification Sherloc (09022015). Collection method: clinical testing. Allele origin: germline.
Comment: This variant has not been reported in the literature in individuals affected with CEP290-related conditions. For these reasons, this variant has been classified as Pathogenic. Algorithms developed to predict the effect of sequence changes on RNA splicing suggest that this variant may disrupt the consensus splice site. This variant is not present in population databases (gnomAD no frequency). This sequence change creates a premature translational stop signal (p.Leu597*) in the CEP290 gene. It is expected to result in an absent or disrupted protein product. Loss-of-function variants in CEP290 are known to be pathogenic (PMID: 16909394, 17345604, 20690115).

Literature cited by the submitters: PubMed 16909394 (cited by Labcorp Genetics (formerly Invitae), Labcorp); PubMed 17345604 (cited by Labcorp Genetics (formerly Invitae), Labcorp); PubMed 20690115 (cited by Labcorp Genetics (formerly Invitae), Labcorp).